The following is an entry in ClinVar:

ClinVar aggregate classification (germline): Uncertain significance. Review status: criteria provided, multiple submitters, no conflicts (2 of 4 stars). 2 submissions from 2 submitters: Uncertain significance (2). Last evaluated 2025-12-01.

Conditions:
Congenital disorder of glycosylation type Ir (CDG1R). Also called: DDOST-congenital disorder of glycosylation. Identifiers: Orphanet 300536, MedGen C3281084, MONDO:0013789, OMIM 614507.

Allele frequency attached by ClinVar (database versions not stated): gnomAD exomes 0.00004 and 0.00009; 1000 Genomes Project 30x 0.00016; 1000 Genomes Project 0.00020; ExAC 0.00028; gnomAD 0.00041 and 0.00046; TOPMed 0.00051; ESP Exome Variant Server 0.00062.
gnomAD v4.1: 118 of 1,554,328 alleles (0.0076%); highest among the groups gnomAD compares: African/African-American, 0.13%; no homozygotes.

Submissions (2):

Labcorp Genetics (formerly Invitae), Labcorp
Classification: Uncertain significance for Congenital disorder of glycosylation type Ir. Last evaluated: 2025-12-01. Review status: criteria provided, single submitter. Criteria: Invitae Variant Classification Sherloc (09022015). Collection method: clinical testing. Allele origin: germline.
Comment: This sequence change replaces valine, which is neutral and non-polar, with isoleucine, which is neutral and non-polar, at codon 255 of the DDOST protein (p.Val255Ile). This variant is present in population databases (rs150551993, gnomAD 0.2%), and has an allele count higher than expected for a pathogenic variant. This variant has not been reported in the literature in individuals affected with DDOST-related conditions. ClinVar contains an entry for this variant (Variation ID: 1349560). Invitae Evidence Modeling of protein sequence and biophysical properties (such as structural, functional, and spatial information, amino acid conservation, physicochemical variation, residue mobility, and thermodynamic stability) indicates that this missense variant is not expected to disrupt DDOST protein function with a negative predictive value of 80%. In summary, the available evidence is currently insufficient to determine the role of this variant in disease. Therefore, it has been classified as a Variant of Uncertain Significance.

Ambry Genetics
Classification: Uncertain significance. Last evaluated: 2021-12-15. Review status: criteria provided, single submitter. Criteria: Ambry Variant Classification Scheme 2023. Collection method: clinical testing. Allele origin: germline.

NM_005216.5(DDOST):c.712G>A (p.Val238Ile)

Gene: DDOST (dolichyl-diphosphooligosaccharide--protein glycosyltransferase non-catalytic subunit; minus strand). Cytogenetic location: 1p36.12.
Variant type: single nucleotide variant.
Coding change: c.712G>A on transcript NM_005216.5 (MANE Select); coding-DNA position 712, G replaced by A.
Protein change: p.Val238Ile; replaces valine 238 with isoleucine.
Molecular consequence: missense variant.
Genome position (GRCh38, 1-based): chr1:20,654,305, C>T on the plus strand (G>A on the coding strand, the complement: DDOST is on the minus strand). VCF-style: chr1-20654305-C-T. GRCh37 (hg19) VCF-style: chr1-20980798-C-T.
Other names: c.763G>A (NM_005216.4); short protein forms V238I.
Identifiers: ClinVar variation 1349560 (VCV001349560.9), dbSNP rs150551993, ClinGen allele CA661140.